The following is an entry in ClinVar:

NM_001165967.2(HES7):c.419C>G (p.Pro140Arg)

Genes: HES7 (hes family bHLH transcription factor 7; minus strand), LOC130060203 (ATAC-STARR-seq lymphoblastoid silent region 8155; plus strand). Cytogenetic location: 17p13.1.
Variant type: single nucleotide variant.
Coding change: c.419C>G on transcript NM_001165967.2 (MANE Select); coding-DNA position 419, C replaced by G.
Protein change: p.Pro140Arg; replaces proline 140 with arginine.
Molecular consequence: missense variant.
Genome position (GRCh38, 1-based): chr17:8,121,845, G>C on the plus strand (C>G on the coding strand, the complement: HES7 is on the minus strand). VCF-style: chr17-8121845-G-C. GRCh37 (hg19) VCF-style: chr17-8025163-G-C.
Other names: c.404C>G (NM_032580.3); c.404C>G, p.Pro135Arg (NM_032580.4); short protein forms P135R, P140R.
Identifiers: ClinVar variation 1005073 (VCV001005073.9), dbSNP rs764593175, ClinGen allele CA397988215.

ClinVar aggregate classification (germline): Uncertain significance. Review status: criteria provided, multiple submitters, no conflicts (2 of 4 stars). 2 submissions from 2 submitters: Uncertain significance (2). Last evaluated 2025-11-24.

Conditions:
Inborn genetic diseases. Identifiers: MedGen C0950123, MeSH D030342.

Allele frequency attached by ClinVar (database versions not stated): TOPMed 0.00002; gnomAD 0.00001.
gnomAD v4.1: 14 of 1,572,240 alleles (0.00089%); highest among the groups gnomAD compares: African/African-American, 0.0014%; no homozygotes.

Submissions (2):

Ambry Genetics
Classification: Uncertain significance for Inborn genetic diseases. Last evaluated: 2025-11-24. Review status: criteria provided, single submitter. Criteria: Ambry Variant Classification Scheme 2023. Collection method: clinical testing. Allele origin: germline.

Labcorp Genetics (formerly Invitae), Labcorp
Classification: Uncertain significance. Last evaluated: 2020-02-10. Review status: criteria provided, single submitter. Criteria: Invitae Variant Classification Sherloc (09022015). Collection method: clinical testing. Allele origin: germline.
Comment: This variant has not been reported in the literature in individuals with HES7-related conditions. In summary, the available evidence is currently insufficient to determine the role of this variant in disease. Therefore, it has been classified as a Variant of Uncertain Significance. Algorithms developed to predict the effect of missense changes on protein structure and function are either unavailable or do not agree on the potential impact of this missense change (SIFT: "Deleterious"; PolyPhen-2: "Benign"; Align-GVGD: "Class C0"). This variant is not present in population databases (ExAC no frequency). This sequence change replaces proline with arginine at codon 135 of the HES7 protein (p.Pro135Arg). The proline residue is moderately conserved and there is a moderate physicochemical difference between proline and arginine.